The following is an entry in ClinVar:

NM_000562.3(C8A):c.1554G>C (p.Gln518His)

Gene: C8A (complement C8 alpha chain; plus strand). Cytogenetic location: 1p32.2.
Variant type: single nucleotide variant.
Coding change: c.1554G>C on transcript NM_000562.3 (MANE Select); coding-DNA position 1554, G replaced by C.
Protein change: p.Gln518His; replaces glutamine 518 with histidine.
Molecular consequence: missense variant.
Genome position (GRCh38, 1-based): chr1:56,912,576, G>C. VCF-style: chr1-56912576-G-C. GRCh37 (hg19) VCF-style: chr1-57378249-G-C.
Other names: short protein forms Q518H.
Identifiers: ClinVar variation 1713392 (VCV001713392.5), dbSNP rs2522619604, ClinGen allele CA340516736.

ClinVar aggregate classification (germline): Uncertain significance (1 of 4 stars; one submission).

Submission:

Labcorp Genetics (formerly Invitae), Labcorp
Classification: Uncertain significance. Last evaluated: 2022-08-15. Review status: criteria provided, single submitter. Criteria: Invitae Variant Classification Sherloc (09022015). Collection method: clinical testing. Allele origin: germline.
Comment: This sequence change replaces glutamine, which is neutral and polar, with histidine, which is basic and polar, at codon 518 of the C8A protein (p.Gln518His). This variant is not present in population databases (gnomAD no frequency). This variant has not been reported in the literature in individuals affected with C8A-related conditions. Algorithms developed to predict the effect of missense changes on protein structure and function are either unavailable or do not agree on the potential impact of this missense change (SIFT: "Deleterious"; PolyPhen-2: "Benign"; Align-GVGD: "Class C0"). In summary, the available evidence is currently insufficient to determine the role of this variant in disease. Therefore, it has been classified as a Variant of Uncertain Significance.